The following is an entry in ClinVar:

ClinVar aggregate classification (germline): Uncertain significance (1 of 4 stars; one submission).

Allele frequency attached by ClinVar (database versions not stated): TOPMed below 0.00001.

Submission:

GeneDx
Classification: Uncertain significance. Last evaluated: 2022-12-22. Review status: criteria provided, single submitter. Criteria: GeneDx Variant Classification Process June 2021. Collection method: clinical testing. Allele origin: germline. Affected: yes.
Comment: Not observed at significant frequency in large population cohorts (gnomAD); In silico analysis supports a deleterious effect on splicing; Has not been previously published as pathogenic or benign to our knowledge

NM_182641.4(BPTF):c.7358T>G (p.Val2453Gly)

Gene: BPTF (bromodomain PHD finger transcription factor; plus strand). Cytogenetic location: 17q24.2.
Variant type: single nucleotide variant.
Coding change: c.7358T>G on transcript NM_182641.4 (MANE Select); coding-DNA position 7358, T replaced by G.
Protein change: p.Val2453Gly; replaces valine 2453 with glycine.
Molecular consequence: missense variant. On other transcripts: intron variant (1).
Genome position (GRCh38, 1-based): chr17:67,946,066, T>G. VCF-style: chr17-67946066-T-G. GRCh37 (hg19) VCF-style: chr17-65942182-T-G.
Other names: c.7566+170T>G (NM_004459.7); short protein forms V2453G.
Identifiers: ClinVar variation 2506687 (VCV002506687.1), dbSNP rs2065790723, ClinGen allele CA400724916.